The following is an entry in ClinVar:

ClinVar aggregate classification (germline): Uncertain significance (1 of 4 stars; one submission).

Allele frequency attached by ClinVar (database versions not stated): gnomAD exomes below 0.00001; TOPMed 0.00002; gnomAD 0.00003 and 0.00004.

Submission:

Labcorp Genetics (formerly Invitae), Labcorp
Classification: Uncertain significance. Last evaluated: 2022-06-09. Review status: criteria provided, single submitter. Criteria: Invitae Variant Classification Sherloc (09022015). Collection method: clinical testing. Allele origin: germline.
Comment: This variant has not been reported in the literature in individuals affected with EPS8-related conditions. This variant is present in population databases (no rsID available, gnomAD 0.004%). This sequence change replaces glycine with serine at codon 306 of the EPS8 protein (p.Gly306Ser). The glycine residue is weakly conserved and there is a small physicochemical difference between glycine and serine. Algorithms developed to predict the effect of missense changes on protein structure and function output the following: SIFT: "Not Available"; PolyPhen-2: "Benign"; Align-GVGD: "Not Available". The serine amino acid residue is found in multiple mammalian species, which suggests that this missense change does not adversely affect protein function. In summary, the available evidence is currently insufficient to determine the role of this variant in disease. Therefore, it has been classified as a Variant of Uncertain Significance.

NM_004447.6(EPS8):c.916G>A (p.Gly306Ser)

Gene: EPS8 (EGFR pathway substrate 8, signaling adaptor; minus strand). Cytogenetic location: 12p12.3.
Variant type: single nucleotide variant.
Coding change: c.916G>A on transcript NM_004447.6 (MANE Select); coding-DNA position 916, G replaced by A.
Protein change: p.Gly306Ser; replaces glycine 306 with serine.
Molecular consequence: missense variant.
Genome position (GRCh38, 1-based): chr12:15,660,635, C>T on the plus strand (G>A on the coding strand, the complement: EPS8 is on the minus strand). VCF-style: chr12-15660635-C-T. GRCh37 (hg19) VCF-style: chr12-15813569-C-T.
Other names: short protein forms G306S.
Identifiers: ClinVar variation 1399017 (VCV001399017.8), dbSNP rs1310508086, ClinGen allele CA384032238.
Genomic context (GRCh38, chr12:15,660,635, plus strand): 5'-TCTAACCAGGCATTAGAAGATTAAGAAAATCCAACTTACCTCCTGGTCCTTTCCTTTTAC[C>T]TTTCTTGTTTTTCTTCCTTTTAGAAAGCTCAGAAAATGCTTCTGCTGCTTTTTGGAGTTT-3'
Protein context (NP_004438.3, residues 296-316): ELSKRKKNKK[Gly306Ser]KRKGPGEGVL